The following is an entry in ClinVar:

ClinVar aggregate classification (germline): Likely pathogenic. Review status: criteria provided, multiple submitters, no conflicts (2 of 4 stars). 2 submissions from 2 submitters: Likely pathogenic (2). Last evaluated 2023-09-21.

Conditions:
MYO7A-related disorder. Also called: MYO7A-related disorders.
Usher syndrome type 1 (USH1). Also called: RETINITIS PIGMENTOSA AND CONGENITAL DEAFNESS. Identifiers: Orphanet 231169, Orphanet 886, MedGen C1568247, MONDO:0010168, OMIM 276900.

Submissions (2):

3billion
Classification: Likely pathogenic for Usher syndrome type 1. Last evaluated: 2023-09-21. Review status: criteria provided, single submitter. Criteria: ACMG Guidelines, 2015. Collection method: clinical testing. Allele origin: germline. Affected: yes.
Comment: The variant is not observed in the gnomAD v2.1.1 dataset. Predicted Consequence/Location: Frameshift: predicted to result in a loss or disruption of normal protein function through nonsense-mediated decay (NMD) or protein truncation. Multiple pathogenic variants are reported downstream of the variant. Therefore, this variant is classified as Likely pathogenic according to the recommendation of ACMG/AMP guideline.

Blueprint Genetics
Classification: Likely pathogenic for MYO7A-related disorders. Last evaluated: 2022-11-15. Review status: criteria provided, single submitter. Criteria: ACMG Guidelines, 2015. Collection method: clinical testing. Allele origin: germline. Affected: yes. Observed: 1 variant allele.

NM_000260.4(MYO7A):c.1265_1284del (p.Pro422fs)

Gene: MYO7A (myosin VIIA; plus strand). Cytogenetic location: 11q13.5.
Variant type: Deletion.
Coding change: c.1265_1284del on transcript NM_000260.4 (MANE Select); coding-DNA positions 1265 to 1284, 20 bases deleted (CCTCCCAGGATGTGAAGAAC).
Protein change: p.Pro422fs; shifts the reading frame from proline 422.
Molecular consequence: frameshift variant.
Genome position (GRCh38, 1-based): chr11:77,161,037-77,161,056, CCTCCCAGGATGTGAAGAAC deleted; deleting any 20 consecutive bases within chr11:77,161,036-77,161,056 gives the same sequence; the c. name uses the placement nearest the transcript's 3' end. VCF-style (leftmost placement, unchanged base first): chr11-77161035-TCCCTCCCAGGATGTGAAGAA-T. GRCh37 (hg19) VCF-style: chr11-76872081-TCCCTCCCAGGATGTGAAGAA-T.
Other names: c.1265_1284del, p.Pro422fs (NM_001127180.2); c.1232_1251del, p.Pro411fs (NM_001369365.1); short protein forms P411fs, P422fs.
Identifiers: ClinVar variation 3776164 (VCV003776164.2).
Genomic context (GRCh38, chr11:77,161,035, plus strand): 5'-GATCTACGGGCGGCTGTTCGTGTGGATTGTGGACAAGATCAACGCAGCAATTTACAAGCC[TCCCTCCCAGGATGTGAAGAA>T]CTCTCGCAGGTCCATCGGCCTCCTGGACATCTTTGGGTTTGAGAACTTTGCTGTGAACAG-3'